The following is an entry in ClinVar:

NM_032043.3(BRIP1):c.3472T>C (p.Leu1158=)

Gene: BRIP1 (BRCA1 interacting DNA helicase 1; minus strand). Cytogenetic location: 17q23.2.
Variant type: single nucleotide variant.
Coding change: c.3472T>C on transcript NM_032043.3 (MANE Select); coding-DNA position 3472, T replaced by C.
Protein change: p.Leu1158=; no amino-acid change (leucine 1158 retained).
Molecular consequence: synonymous variant.
Genome position (GRCh38, 1-based): chr17:61,683,574, A>G on the plus strand (T>C on the coding strand, the complement: BRIP1 is on the minus strand). VCF-style: chr17-61683574-A-G. GRCh37 (hg19) VCF-style: chr17-59760935-A-G.
Identifiers: ClinVar variation 414684 (VCV000414684.19), dbSNP rs1060504330, ClinGen allele CA16615820.

ClinVar aggregate classification (germline): Benign/Likely benign. Review status: criteria provided, multiple submitters, no conflicts (2 of 4 stars). 5 submissions from 5 submitters: Benign (1); Likely benign (4). Last evaluated 2025-05-27.

Conditions:
Fanconi anemia complementation group J. Also called: BRIP1-Related Fanconi Anemia. Identifiers: Orphanet 84, MedGen C1836860, MONDO:0012187, OMIM 609054.
Familial cancer of breast. Also called: Hereditary breast cancer; BREAST CANCER, FAMILIAL; hereditary breast carcinoma. Identifiers: Orphanet 227535, MedGen C0346153, MONDO:0016419, OMIM 114480. Disease mechanism: loss of function.
Hereditary cancer-predisposing syndrome. Also called: Tumor predisposition; Neoplastic Syndromes, Hereditary; Hereditary Cancer Syndrome; Hereditary neoplastic syndrome. Identifiers: Orphanet 140162, MedGen C0027672, MeSH D009386, MONDO:0015356.

Allele frequency attached by ClinVar (database versions not stated): gnomAD exomes below 0.00001 and 0.00001; TOPMed below 0.00001.
gnomAD v4.1: 3 of 1,612,744 alleles (0.00019%); highest among the groups gnomAD compares: Non-Finnish European, 0.00025%; no homozygotes.

Submissions (5):

Labcorp Genetics (formerly Invitae), Labcorp
Classification: Likely benign for Familial cancer of breast; Fanconi anemia complementation group J. Last evaluated: 2025-05-27. Review status: criteria provided, single submitter. Criteria: Invitae Variant Classification Sherloc (09022015). Collection method: clinical testing. Allele origin: germline.

Quest Diagnostics Nichols Institute San Juan Capistrano
Classification: Likely benign. Last evaluated: 2025-04-09. Review status: criteria provided, single submitter. Criteria: Quest Diagnostics criteria. Collection method: clinical testing. Allele origin: unknown.

Myriad Genetics, Inc.
Classification: Benign for Familial cancer of breast. Last evaluated: 2024-09-10. Review status: criteria provided, single submitter. Criteria: Myriad Autosomal Dominant, Autosomal Recessive and X-Linked Classification Criteria (2023). Collection method: clinical testing. Allele origin: unknown.
Comment: This variant is considered benign. This variant is a silent/synonymous amino acid change and it is not expected to impact splicing.

Ambry Genetics
Classification: Likely benign for Hereditary cancer-predisposing syndrome. Last evaluated: 2018-07-15. Review status: criteria provided, single submitter. Criteria: Ambry Variant Classification Scheme 2023. Collection method: clinical testing. Allele origin: germline.

GeneDx
Classification: Likely benign. Last evaluated: 2018-01-12. Review status: criteria provided, single submitter. Criteria: GeneDx Variant Classification (06012015). Collection method: clinical testing. Allele origin: germline. Affected: yes.
Comment: This variant is considered likely benign or benign based on one or more of the following criteria: it is a conservative change, it occurs at a poorly conserved position in the protein, it is predicted to be benign by multiple in silico algorithms, and/or has population frequency not consistent with disease.